The following is an entry in ClinVar:

ClinVar aggregate classification (germline): Uncertain significance (1 of 4 stars; one submission).

Conditions:
Hereditary cancer-predisposing syndrome. Also called: Hereditary neoplastic syndrome; Hereditary Cancer Syndrome; Neoplastic Syndromes, Hereditary; Tumor predisposition. Identifiers: Orphanet 140162, MedGen C0027672, MeSH D009386, MONDO:0015356.

Submission:

Ambry Genetics
Classification: Uncertain significance for Hereditary cancer-predisposing syndrome. Last evaluated: 2023-04-07. Review status: criteria provided, single submitter. Criteria: Ambry Variant Classification Scheme 2023. Collection method: clinical testing. Allele origin: germline.
Comment: The p.Y1143D variant (also known as c.3427T>G), located in coding exon 15 of the APC gene, results from a T to G substitution at nucleotide position 3427. The tyrosine at codon 1143 is replaced by aspartic acid, an amino acid with highly dissimilar properties. This amino acid position is conserved. In addition, in silico predictors for this gene do not accurately predict pathogenicity. Since supporting evidence is limited at this time, the clinical significance of this alteration remains unclear.

NM_000038.6(APC):c.3427T>G (p.Tyr1143Asp)

Gene: APC (APC regulator of Wnt signaling pathway; plus strand). Cytogenetic location: 5q22.2.
Variant type: single nucleotide variant.
Coding change: c.3427T>G on transcript NM_000038.6 (MANE Select); coding-DNA position 3427, T replaced by G.
Protein change: p.Tyr1143Asp; replaces tyrosine 1143 with aspartic acid.
Molecular consequence: missense variant. On other transcripts: non-coding transcript variant (2).
Genome position (GRCh38, 1-based): chr5:112,839,021, T>G. VCF-style: chr5-112839021-T-G. GRCh37 (hg19) VCF-style: chr5-112174718-T-G.
Other names: c.3427T>G, p.Tyr1143Asp (NM_001127510.3, NM_001354895.2, NM_001407450.1); c.3373T>G, p.Tyr1125Asp (NM_001127511.3); c.3481T>G, p.Tyr1161Asp (NM_001354896.2, NM_001407447.1, NM_001407448.1 and 1 more transcripts); c.3457T>G, p.Tyr1153Asp (NM_001354897.2); c.3352T>G, p.Tyr1118Asp (NM_001354898.2); c.3343T>G, p.Tyr1115Asp (NM_001354899.2); c.3304T>G, p.Tyr1102Asp (NM_001354900.2); c.3250T>G, p.Tyr1084Asp (NM_001354901.2, NM_001407453.1); and 11 more; short protein forms Y1084D, Y1118D, Y1143D, Y1161D, Y1171D, Y1042D, Y1060D, Y1102D.
Identifiers: ClinVar variation 2566958 (VCV002566958.2), dbSNP rs2149891695, ClinGen allele CA16028844.